The following is an entry in ClinVar:

NM_016239.4(MYO15A):c.3026del (p.Pro1009fs)

Gene: MYO15A (myosin XVA; plus strand). Cytogenetic location: 17p11.2.
Variant type: Deletion.
Coding change: c.3026del on transcript NM_016239.4 (MANE Select); coding-DNA position 3026, one base deleted (C; older notation c.3026delC).
Protein change: p.Pro1009fs; shifts the reading frame from proline 1009.
Molecular consequence: frameshift variant.
Genome position (GRCh38, 1-based): chr17:18,121,826, C deleted; the last of 4 consecutive C bases (chr17:18,121,823-18,121,826); deleting any one gives the same sequence. VCF-style (leftmost placement, unchanged base first): chr17-18121822-AC-A. GRCh37 (hg19) VCF-style: chr17-18025136-AC-A.
Other names: c.3026delC (NM_016239.3); c.3026del (NM_016239.3); short protein forms P1009fs.
Identifiers: ClinVar variation 506256 (VCV000506256.8), dbSNP rs1555539827, ClinGen allele CA625315050.

ClinVar aggregate classification (germline): Pathogenic/Likely pathogenic. Review status: criteria provided, multiple submitters, no conflicts (2 of 4 stars). 3 submissions from 3 submitters: Pathogenic (2); Likely pathogenic (1). Last evaluated 2024-07-22.

Conditions:
Rare genetic deafness. Identifiers: Orphanet 96210, MedGen C5680250.

Submissions (3):

GeneDx
Classification: Likely pathogenic. Last evaluated: 2024-07-22. Review status: criteria provided, single submitter. Criteria: GeneDx Variant Classification Process June 2021. Collection method: clinical testing. Allele origin: germline. Affected: yes.
Comment: Frameshift variant predicted to result in protein truncation or nonsense mediated decay in a gene for which loss of function is a known mechanism of disease; Not observed at significant frequency in large population cohorts (gnomAD); Has not been previously published as pathogenic or benign to our knowledge

Labcorp Genetics (formerly Invitae), Labcorp
Classification: Pathogenic. Last evaluated: 2023-11-25. Review status: criteria provided, single submitter. Criteria: Invitae Variant Classification Sherloc (09022015). Collection method: clinical testing. Allele origin: germline.
Comment: This sequence change creates a premature translational stop signal (p.Pro1009Leufs*49) in the MYO15A gene. It is expected to result in an absent or disrupted protein product. Loss-of-function variants in MYO15A are known to be pathogenic (PMID: 17546645). This variant is present in population databases (no rsID available, gnomAD 0.0009%). This variant has not been reported in the literature in individuals affected with MYO15A-related conditions. ClinVar contains an entry for this variant (Variation ID: 506256). For these reasons, this variant has been classified as Pathogenic.

Laboratory for Molecular Medicine, Mass General Brigham Personalized Medicine
Classification: Pathogenic for Rare genetic deafness. Last evaluated: 2017-12-21. Review status: criteria provided, single submitter. Criteria: LMM Criteria. Collection method: clinical testing. Allele origin: germline. Inheritance: Autosomal recessive inheritance. Observed: 1 variant allele.
Comment: The p.Pro1009fs variant in MYO15A has not been previously reported in individual s with hearing loss, but has been identified in 1/111138 European chromosomes by the Genome Aggregation Database (gnomAD). Alt hough this variant has been seen in the general population, its frequency is low enough to be consistent with the carrier frequency for recessive nonsyndromic h earing loss. This variant is predicted to cause a frameshift, which alters the protein?s amino acid sequence beginning at position 1009 and leads to a prematur e termination codon 49 amino acids downstream. This alteration is then predicted to lead to a truncated or absent protein, and truncating variants in this regio n of the protein in individuals with hearing loss have been previously reported by our laboratory and in ClinVar. In summary, this variant meets criteria to be classified as pathogenic for hearing loss in an autosomal recessive manner based on the predicted impact of the variant. ACMG/AMP Criteria applied: PVS1, PM2, P M1.

Literature cited by the submitters: PubMed 17546645 (cited by Labcorp Genetics (formerly Invitae), Labcorp).